The following is an entry in ClinVar:

ClinVar aggregate classification (germline): Conflicting classifications of pathogenicity. Review status: criteria provided, conflicting classifications (1 of 4 stars). 3 submissions from 3 submitters: Uncertain significance (1); Likely benign (2). Last evaluated 2026-04-02.

Conditions:
Inborn genetic diseases. Identifiers: MedGen C0950123, MeSH D030342.
Fanconi anemia (FA). Also called: Fanconi's anemia. Identifiers: Orphanet 84, MedGen C0015625, MeSH D005199, MONDO:0019391.

gnomAD v4.1: 20 of 1,607,136 alleles (0.0012%); highest among the groups gnomAD compares: Non-Finnish European, 0.0017%; no homozygotes.

Submissions (3):

Ambry Genetics
Classification: Likely benign for Inborn genetic diseases. Last evaluated: 2026-04-02. Review status: criteria provided, single submitter. Criteria: Ambry Variant Classification Scheme 2023. Collection method: clinical testing. Allele origin: germline.

Labcorp Genetics (formerly Invitae), Labcorp
Classification: Likely benign for Fanconi anemia. Last evaluated: 2025-10-05. Review status: criteria provided, single submitter. Criteria: Invitae Variant Classification Sherloc (09022015). Collection method: clinical testing. Allele origin: germline.

Quest Diagnostics Nichols Institute San Juan Capistrano
Classification: Uncertain significance. Last evaluated: 2024-07-04. Review status: criteria provided, single submitter. Criteria: Quest Diagnostics criteria. Collection method: clinical testing. Allele origin: unknown.
Comment: The FANCM c.4083A>G (p.Pro1361=) synonymous variant has not been reported in individuals with FANCM-related conditions in the published literature. The frequency of this variant in the general population, 0.000004 (1/247354 chromosomes (Genome Aggregation Database)), is uninformative in the assessment of its pathogenicity. Analysis of this variant using software algorithms for the prediction of the effect of nucleotide changes on splicing yielded predictions that this variant does not affect FANCM mRNA splicing. Based on the available information, we are unable to determine the clinical significance of this variant.

NM_020937.4(FANCM):c.4083A>G (p.Pro1361=)

Gene: FANCM (FA complementation group M; plus strand). Cytogenetic location: 14q21.2.
Variant type: single nucleotide variant.
Coding change: c.4083A>G on transcript NM_020937.4 (MANE Select); coding-DNA position 4083, A replaced by G.
Protein change: p.Pro1361=; no amino-acid change (proline 1361 retained).
Molecular consequence: synonymous variant.
Genome position (GRCh38, 1-based): chr14:45,176,837, A>G. VCF-style: chr14-45176837-A-G. GRCh37 (hg19) VCF-style: chr14-45646040-A-G.
Other names: c.4005A>G, p.Pro1335= (NM_001308133.2).
Identifiers: ClinVar variation 3572290 (VCV003572290.3).